The following is an entry in ClinVar:

NM_006080.3(SEMA3A):c.667+7G>T

Gene: SEMA3A (semaphorin 3A; minus strand). Cytogenetic location: 7q21.11.
Variant type: single nucleotide variant.
Coding change: c.667+7G>T on transcript NM_006080.3 (MANE Select); 7 bases into the intron after coding-DNA position 667, G replaced by T.
Molecular consequence: intron variant.
Genome position (GRCh38, 1-based): chr7:84,046,317, C>A on the plus strand (G>T on the coding strand, the complement: SEMA3A is on the minus strand). VCF-style: chr7-84046317-C-A. GRCh37 (hg19) VCF-style: chr7-83675633-C-A.
Identifiers: ClinVar variation 3054995 (VCV003054995.2), dbSNP rs778914985, ClinGen allele CA4322951.

ClinVar aggregate classification (germline): Likely benign (0 of 4 stars; one submission).

Conditions:
SEMA3A-related disorder. Also called: SEMA3A-related condition.

Allele frequency attached by ClinVar (database versions not stated): ExAC 0.00003; TOPMed 0.00003; gnomAD 0.00005; gnomAD exomes 0.00006.
gnomAD v4.1: 94 of 1,612,080 alleles (0.0058%); highest among the groups gnomAD compares: Non-Finnish European, 0.0075%; no homozygotes.

Submission:

PreventionGenetics, part of Exact Sciences
Classification: Likely benign for SEMA3A-related condition. Last evaluated: 2021-05-26. Review status: no assertion criteria provided. Collection method: clinical testing. Allele origin: germline.
Comment: This variant is classified as likely benign based on ACMG/AMP sequence variant interpretation guidelines (Richards et al. 2015 PMID: 25741868, with internal and published modifications).